The following is an entry in ClinVar:

NM_000202.8(IDS):c.1181-1G>C

Gene: IDS (iduronate 2-sulfatase; minus strand). Cytogenetic location: Xq28.
Variant type: single nucleotide variant.
Coding change: c.1181-1G>C on transcript NM_000202.8 (MANE Select); the canonical splice acceptor site of the intron before coding-DNA position 1181, G replaced by C.
Molecular consequence: splice acceptor variant.
Genome position (GRCh38, 1-based): chrX:149,483,219, C>G on the plus strand (G>C on the coding strand, the complement: IDS is on the minus strand). VCF-style: chrX-149483219-C-G. GRCh37 (hg19) VCF-style: chrX-148564750-C-G.
Other names: c.1181-1G>C (NM_000202.7); c.911-1G>C (NM_001166550.4).
Identifiers: ClinVar variation 997029 (VCV000997029.7), dbSNP rs864622777, ClinGen allele CA414518641.
Genomic context (GRCh38, chrX:149,483,219, plus strand): 5'-CAAGTCCAGCCAGCGTGGGAAAAAGAGACACAAGTTCCACAAGGTCCATGGATTGCCTGC[C>G]TGAAACAGGAAGCGACAGAGCAGAATGGGTTACATTATAAAAGCCTGCCATGGCCAGGCA-3'

ClinVar aggregate classification (germline): Pathogenic. Review status: criteria provided, multiple submitters, no conflicts (2 of 4 stars). 4 submissions from 4 submitters: Pathogenic (4). Last evaluated 2024-06-07.

Conditions:
Mucopolysaccharidosis, MPS-II (MPS2). Also called: Mucopolysaccharidosis type 2; Hunter Syndrome; IDURONATE 2-SULFATASE DEFICIENCY; Mucopolysaccharidosis Type II; IDS deficiency; Sulfoiduronate sulfatase deficiency. Identifiers: Orphanet 580, Orphanet 79388, MedGen C0026705, MONDO:0010674, OMIM 309900.

Submissions (4):

Laboratory of Diagnosis and Therapy of Lysosomal Disorders, University of Padova
Classification: Pathogenic for Mucopolysaccharidosis, MPS-II. Last evaluated: 2024-06-07. Review status: criteria provided, single submitter. Criteria: ACMG Guidelines, 2015. Collection method: literature only. Allele origin: germline. Affected: yes. Observed: 4 variant alleles.
Comment: Null variant (PVS1_Strong), Absent from controls (or at low frequency) in gnomAD database (PM2_Moderate), Patient’s phenotype or family history highly specific for the disease (PP4_Strong)

Classification method: ACMG Guidelines [PMID:25741868] with modifications

Revvity Omics, Revvity
Classification: Pathogenic for Mucopolysaccharidosis, MPS-II. Last evaluated: 2021-12-29. Review status: criteria provided, single submitter. Criteria: ACMG Guidelines, 2015. Collection method: clinical testing. Allele origin: germline.

Department of Medical Genetics, Sanjay Gandhi Post Graduate Institute of Medical Sciences
Classification: Pathogenic for Mucopolysaccharidosis, MPS-II. Review status: criteria provided, single submitter. Criteria: ACMG Guidelines, 2015. Collection method: clinical testing. Allele origin: maternal. Inheritance: X-linked recessive inheritance. Affected: yes. Observed: 1 variant allele, 1 hemizygote.

Neuberg Centre For Genomic Medicine, NCGM
Classification: Pathogenic for Mucopolysaccharidosis, MPS-II. Review status: criteria provided, single submitter. Criteria: ACMG Guidelines, 2015. Collection method: clinical testing. Allele origin: germline. Inheritance: X-linked recessive inheritance. Affected: yes.
Comment: The splice acceptor variant c.1181-1G>C in IDS (NM_000202.8) has been reported previously in an affected patient (Amartino H et al). It has submitted to ClinVar as Pathogenic. The c.1181-1G>C variant is novel (not in any individuals) in gnomAD Exomes and is novel (not in any individuals) in 1000 Genomes. This variant affects an invariant splice nucleotide. Though it is present in the last exon, it has been classified as Pathogenic as it has been reported previously in similarly affected patients.

Literature cited by the submitters: PubMed 17063374 (cited by Laboratory of Diagnosis and Therapy of Lysosomal Disorders, University of Padova); PubMed 34813777 (cited by Laboratory of Diagnosis and Therapy of Lysosomal Disorders, University of Padova); PubMed 21291454 (cited by Laboratory of Diagnosis and Therapy of Lysosomal Disorders, University of Padova); PubMed 34670126 (cited by Laboratory of Diagnosis and Therapy of Lysosomal Disorders, University of Padova).